The following is an entry in ClinVar:

NM_000334.4(SCN4A):c.2646G>A (p.Pro882=)

Genes: GH-LCR (growth hormone locus control region; plus strand), SCN4A (sodium voltage-gated channel alpha subunit 4; minus strand). Cytogenetic location: 17q23.3.
Variant type: single nucleotide variant.
Coding change: c.2646G>A on transcript NM_000334.4 (MANE Select); coding-DNA position 2646, G replaced by A.
Protein change: p.Pro882=; no amino-acid change (proline 882 retained).
Molecular consequence: synonymous variant.
Genome position (GRCh38, 1-based): chr17:63,951,631, C>T on the plus strand (G>A on the coding strand, the complement: SCN4A is on the minus strand). VCF-style: chr17-63951631-C-T. GRCh37 (hg19) VCF-style: chr17-62028991-C-T.
Identifiers: ClinVar variation 703471 (VCV000703471.25), dbSNP rs538173069, ClinGen allele CA8709537.

ClinVar aggregate classification (germline): Conflicting classifications of pathogenicity. Review status: criteria provided, conflicting classifications (1 of 4 stars). 7 submissions from 3 submitters: Uncertain significance (1); Benign (4); Likely benign (2). Last evaluated 2025-12-16.

Conditions:
Congenital myasthenic syndrome 16. Identifiers: Orphanet 590, MedGen C3280112, MONDO:0013620, OMIM 614198.
Paramyotonia congenita of Von Eulenburg. Also called: PARALYSIS PERIODICA PARAMYOTONICA; Eulenburg disease; Myotonia congenita intermittens; Von Eulenburg paramyotonia congenita; Paramyotonia Congenita. Identifiers: Orphanet 684, MedGen C0221055, MONDO:0008195, OMIM 168300. Disease mechanism: loss of function.
Hyperkalemic periodic paralysis. Also called: Familial hyperkalemic periodic paralysis; Gamstorp disease. Identifiers: Orphanet 682, MedGen C0238357, MONDO:0008224, OMIM 170500, HP:0007215.
Hypokalemic periodic paralysis, type 2 (HOKPP2). Identifiers: Orphanet 681, MedGen C2750061, MONDO:0013234, OMIM 613345.
Potassium-aggravated myotonia. Also called: MYOTONIA CONGENITA, ACETAZOLAMIDE-RESPONSIVE; MYOTONIA CONGENITA, ATYPICAL; SODIUM CHANNEL MUSCLE DISEASE; Myotonia congenita, atypical, acetazolamide-responsive. Identifiers: Orphanet 612, Orphanet 99734, Orphanet 99735, Orphanet 99736, MedGen C2931826, MONDO:0018959, OMIM 608390.

Allele frequency attached by ClinVar (database versions not stated): gnomAD 0.00009 and 0.00012; TOPMed 0.00010; gnomAD exomes 0.00016; ExAC 0.00011; 1000 Genomes Project 30x 0.00062; 1000 Genomes Project 0.00080.
gnomAD v4.1: 174 of 1,612,572 alleles (0.011%); highest among the groups gnomAD compares: East Asian, 0.12%; 1 homozygote.

Submissions (7):

Labcorp Genetics (formerly Invitae), Labcorp
Classification: Likely benign for Hyperkalemic periodic paralysis. Last evaluated: 2025-12-16. Review status: criteria provided, single submitter. Criteria: Invitae Variant Classification Sherloc (09022015). Collection method: clinical testing. Allele origin: germline.

Blueprint Genetics
Classification: Likely benign. Last evaluated: 2024-11-11. Review status: criteria provided, single submitter. Criteria: ACMG Guidelines, 2015. Collection method: clinical testing. Allele origin: germline.

Illumina Laboratory Services, Illumina
Classification: Benign for Paramyotonia congenita of Von Eulenburg. Last evaluated: 2018-01-13. Review status: criteria provided, single submitter. Criteria: ICSL Variant Classification Criteria 13 December 2019. Collection method: clinical testing. Allele origin: germline.
Comment: This variant was observed in the ICSL laboratory as part of a predisposition screen in an ostensibly healthy population. It had not been previously curated by ICSL or reported in the Human Gene Mutation Database (HGMD: prior to June 1st, 2018), and was therefore a candidate for classification through an automated scoring system. Utilizing variant allele frequency, disease prevalence and penetrance estimates, and inheritance mode, an automated score was calculated to assess if this variant is too frequent to cause the disease. Based on the score and internal cut-off values, a variant classified as benign is not then subjected to further curation. The score for this variant resulted in a classification of benign for this disease.

Illumina Laboratory Services, Illumina
Classification: Uncertain significance for Congenital myasthenic syndrome 16. Last evaluated: 2018-01-13. Review status: criteria provided, single submitter. Criteria: ICSL Variant Classification Criteria 13 December 2019. Collection method: clinical testing. Allele origin: germline.

Illumina Laboratory Services, Illumina
Classification: Benign for Hyperkalemic periodic paralysis. Last evaluated: 2018-01-13. Review status: criteria provided, single submitter. Criteria: ICSL Variant Classification Criteria 13 December 2019. Collection method: clinical testing. Allele origin: germline.
Comment: the same text as in the submission from Illumina Laboratory Services, Illumina above.

Illumina Laboratory Services, Illumina
Classification: Benign for Potassium-aggravated myotonia. Last evaluated: 2018-01-13. Review status: criteria provided, single submitter. Criteria: ICSL Variant Classification Criteria 13 December 2019. Collection method: clinical testing. Allele origin: germline.
Comment: the same text as in the submission from Illumina Laboratory Services, Illumina above.

Illumina Laboratory Services, Illumina
Classification: Benign for Hypokalemic periodic paralysis, type 2. Last evaluated: 2018-01-13. Review status: criteria provided, single submitter. Criteria: ICSL Variant Classification Criteria 13 December 2019. Collection method: clinical testing. Allele origin: germline.
Comment: the same text as in the submission from Illumina Laboratory Services, Illumina above.